The following is an entry in ClinVar:

ClinVar aggregate classification (germline): Uncertain significance. Review status: criteria provided, multiple submitters, no conflicts (2 of 4 stars). 2 submissions from 2 submitters: Uncertain significance (2). Last evaluated 2025-08-12.

Conditions:
Inborn genetic diseases. Identifiers: MedGen C0950123, MeSH D030342.

Submissions (2):

Ambry Genetics
Classification: Uncertain significance for Inborn genetic diseases. Last evaluated: 2025-08-12. Review status: criteria provided, single submitter. Criteria: Ambry Variant Classification Scheme 2023. Collection method: clinical testing. Allele origin: germline.
Comment: The c.3107C>T (p.T1036I) alteration is located in exon 17 (coding exon 17) of the TANC2 gene. This alteration results from a C to T substitution at nucleotide position 3107, causing the threonine (T) at amino acid position 1036 to be replaced by an isoleucine (I). The Genome Aggregation Database (gnomAD) data for this variant is unreliable due to technical and/or biological issues, therefore population frequency estimates were not considered. This nucleotide and amino acid position is highly conserved in available vertebrate species. This amino acid alteration is predicted to be deleterious by in silico analysis. Additionally, in silico splice site analysis predicts that this nucleotide alteration may weaken the native splice donor site. Based on insufficient or conflicting evidence, the clinical significance of this alteration remains unclear.

GeneDx
Classification: Uncertain significance. Last evaluated: 2023-04-16. Review status: criteria provided, single submitter. Criteria: GeneDx Variant Classification Process June 2021. Collection method: clinical testing. Allele origin: germline. Affected: yes.
Comment: Not observed at significant frequency in large population cohorts (gnomAD); In silico analysis supports that this missense variant has a deleterious effect on protein structure/function; Has not been previously published as pathogenic or benign to our knowledge

NM_001394998.1(TANC2):c.3329C>T (p.Thr1110Ile)

Genes: TANC2 (tetratricopeptide repeat, ankyrin repeat and coiled-coil containing 2; plus strand), LOC105371856 (uncharacterized LOC105371856; minus strand). Cytogenetic location: 17q23.3.
Variant type: single nucleotide variant.
Coding change: c.3329C>T on transcript NM_001394998.1 (MANE Select); coding-DNA position 3329, C replaced by T.
Protein change: p.Thr1110Ile; replaces threonine 1110 with isoleucine.
Molecular consequence: missense variant.
Genome position (GRCh38, 1-based): chr17:63,398,912, C>T. VCF-style: chr17-63398912-C-T. GRCh37 (hg19) VCF-style: chr17-61476273-C-T.
Other names: c.3107C>T, p.Thr1036Ile (NM_001411076.1, NM_025185.4); short protein forms T1036I, T1110I.
Identifiers: ClinVar variation 2662179 (VCV002662179.2), dbSNP rs1177008187, ClinGen allele CA400534699.
Genomic context (GRCh38, chr17:63,398,912, plus strand): 5'-AAGATGAAGAGGAAGTAGAGCGAGCACAGATCAACAGCTTTGACAGTCTCTGGGGAGAGA[C>T]AGGTACCTCTCATGGACGTTGCCCTCAAGAATGTGTTGTGTTTGTGTGGACTCTCGAATC-3'
Protein context (NP_001381927.1, residues 1100-1120): INSFDSLWGE[Thr1110Ile]ALTAAAGRGK